The following is an entry in ClinVar:

ClinVar aggregate classification (germline): Pathogenic/Likely pathogenic. Review status: criteria provided, multiple submitters, no conflicts (2 of 4 stars). 2 submissions from 2 submitters: Pathogenic (1); Likely pathogenic (1). Last evaluated 2025-06-19.

Conditions:
Arrhythmogenic right ventricular dysplasia 9 (ARVD9). Also called: Arrhythmogenic Right Ventricular Dysplasia/Cardiomyopathy 9; ARRHYTHMOGENIC RIGHT VENTRICULAR DYSPLASIA, FAMILIAL, 9. Identifiers: MedGen C1836906, MONDO:0012180, OMIM 609040.

Submissions (2):

Variantyx, Inc.
Classification: Likely pathogenic for Arrhythmogenic right ventricular dysplasia 9. Last evaluated: 2025-06-19. Review status: criteria provided, single submitter. Criteria: Variantyx Assertion Criteria 2022. Collection method: clinical testing. Allele origin: germline. Inheritance: Autosomal dominant inheritance. Affected: yes.
Comment: This is a frameshift variant in the PKP2 gene (OMIM: 602861). Pathogenic variants in this gene have been associated with autosomal dominant arrhythmogenic right ventricular dysplasia 9. This variant introduces a premature termination codon in exon 3 out of 13 and is expected to result in loss of function, which is a known disease mechanism for PKP2 in this disorder (PMID: 15489853, 23911551) (PVS1). This variant is absent from control populations (PM2). Based on the current evidence, this variant is classified as likely pathogenic for autosomal dominant arrhythmogenic right ventricular dysplasia 9.

Labcorp Genetics (formerly Invitae), Labcorp
Classification: Pathogenic for Arrhythmogenic right ventricular dysplasia 9. Last evaluated: 2022-04-19. Review status: criteria provided, single submitter. Criteria: Invitae Variant Classification Sherloc (09022015). Collection method: clinical testing. Allele origin: germline.
Comment: This sequence change creates a premature translational stop signal (p.Glu137Lysfs*5) in the PKP2 gene. It is expected to result in an absent or disrupted protein product. Loss-of-function variants in PKP2 are known to be pathogenic (PMID: 15489853, 23911551). This variant is not present in population databases (gnomAD no frequency). This variant has not been reported in the literature in individuals affected with PKP2-related conditions. For these reasons, this variant has been classified as Pathogenic.

Literature cited by the submitters: PubMed 15489853 (cited by Variantyx, Inc. and Labcorp Genetics (formerly Invitae), Labcorp); PubMed 23911551 (cited by Variantyx, Inc. and Labcorp Genetics (formerly Invitae), Labcorp).

NM_001005242.3(PKP2):c.409del (p.Glu137fs)

Gene: PKP2 (plakophilin 2; minus strand). Cytogenetic location: 12p11.21.
Variant type: Deletion.
Coding change: c.409del on transcript NM_001005242.3 (MANE Select); coding-DNA position 409, one base deleted (G; older notation c.409delG).
Protein change: p.Glu137fs; shifts the reading frame from glutamic acid 137.
Molecular consequence: frameshift variant.
Genome position (GRCh38, 1-based): chr12:32,878,471, C deleted on the plus strand (G on the coding strand, the reverse complement: PKP2 is on the minus strand); the first of 2 consecutive C bases (chr12:32,878,471-32,878,472); deleting either gives the same sequence. VCF-style (leftmost placement, unchanged base first): chr12-32878470-TC-T. GRCh37 (hg19) VCF-style: chr12-33031404-TC-T.
Other names: c.408delG, p.Glu137Lysfs (NM_001407155.1, NM_001407156.1, NM_001407157.1 and 1 more transcripts); c.81delG, p.Glu28Lysfs (NM_001407158.1, NM_001407159.1, NM_001407160.1 and 1 more transcripts); c.409del, p.Glu137fs (NM_004572.4); short protein forms E137fs.
Identifiers: ClinVar variation 2125402 (VCV002125402.4), dbSNP rs2541342647, ClinGen allele CA2580085427.